The following is an entry in ClinVar:

ClinVar aggregate classification (germline): Uncertain significance. Review status: criteria provided, multiple submitters, no conflicts (2 of 4 stars). 4 submissions from 4 submitters: Uncertain significance (3). 1 of the submissions does not count toward it. Last evaluated 2025-10-21.

Conditions:
TTN-related disorder. Also called: TTN-related disorders; TTN-related condition; TTN-related disease.
Dilated cardiomyopathy 1G (CMD1G). Identifiers: Orphanet 154, MedGen C1858763, MONDO:0011400, OMIM 604145.
Autosomal recessive limb-girdle muscular dystrophy type 2J (LGMDR10). Also called: Limb-girdle muscular dystrophy, type 2J; MUSCULAR DYSTROPHY, LIMB-GIRDLE, AUTOSOMAL RECESSIVE 10. Identifiers: Orphanet 140922, MedGen C1837342, MONDO:0012127, OMIM 608807.

Allele frequency attached by ClinVar (database versions not stated): gnomAD exomes below 0.00001; TOPMed below 0.00001.
gnomAD v4.1: 1 of 1,613,792 alleles (0.000062%); highest among the groups gnomAD compares: African/African-American, 0.0013%; no homozygotes.

Submissions (4):

Labcorp Genetics (formerly Invitae), Labcorp
Classification: Uncertain significance for Dilated cardiomyopathy 1G; Autosomal recessive limb-girdle muscular dystrophy type 2J. Last evaluated: 2025-10-21. Review status: criteria provided, single submitter. Criteria: Invitae Variant Classification Sherloc (09022015). Collection method: clinical testing. Allele origin: germline.
Comment: This sequence change replaces proline, which is neutral and non-polar, with glutamine, which is neutral and polar, at codon 35273 of the TTN protein (p.Pro35273Gln). This variant is not present in population databases (gnomAD no frequency). This variant has not been reported in the literature in individuals affected with TTN-related conditions. ClinVar contains an entry for this variant (Variation ID: 437089). Experimental studies and prediction algorithms are not available or were not evaluated, and the functional significance of this variant is currently unknown. This variant is located in the M band of TTN (PMID: 25589632). Non-truncating variants in this region may be relevant for neuromuscular disorders, but have not been definitively shown to cause cardiomyopathy (PMID: 23975875). In summary, the available evidence is currently insufficient to determine the role of this variant in disease. Therefore, it has been classified as a Variant of Uncertain Significance.

Laboratory for Molecular Medicine, Mass General Brigham Personalized Medicine
Classification: Uncertain significance. Last evaluated: 2016-10-25. Review status: criteria provided, single submitter. Criteria: LMM Criteria. Collection method: clinical testing. Allele origin: germline. Observed: 2 variant alleles.
Comment: The p.Pro32705Gln variant in TTN has not been previously reported in individuals with cardiomyopathy or in large population studies. Computational prediction to ols and conservation analysis do not provide strong support for or against an im pact to the protein. In summary, the clinical significance of the p.Pro32705Gln variant is uncertain.

Genetic Services Laboratory, University of Chicago
Classification: Uncertain significance. Last evaluated: 2016-09-23. Review status: criteria provided, single submitter. Criteria: ACMG Guidelines, 2015. Collection method: clinical testing. Allele origin: germline. Affected: no.

PreventionGenetics, part of Exact Sciences
Classification: Uncertain significance for TTN-related condition. Last evaluated: 2024-09-20. Review status: no assertion criteria provided. Collection method: clinical testing. Allele origin: germline. Not counted in ClinVar's aggregate classification.
Comment: The TTN c.105818C>A variant is predicted to result in the amino acid substitution p.Pro35273Gln. To our knowledge, this variant has not been reported in the literature or in a large population database, indicating this variant is rare. At this time, the clinical significance of this variant is uncertain due to the absence of conclusive functional and genetic evidence.

Literature cited by the submitters: PubMed 25589632 (cited by Labcorp Genetics (formerly Invitae), Labcorp); PubMed 23975875 (cited by Labcorp Genetics (formerly Invitae), Labcorp).

NM_001267550.2(TTN):c.105818C>A (p.Pro35273Gln)

Genes: TTN (titin; minus strand), TTN-AS1 (TTN antisense RNA 1; plus strand), LOC129935183 (ATAC-STARR-seq lymphoblastoid active region 16808; plus strand). Cytogenetic location: 2q31.2.
Variant type: single nucleotide variant.
Coding change: c.105818C>A on transcript NM_001267550.2 (MANE Select); coding-DNA position 105818, C replaced by A.
Protein change: p.Pro35273Gln; replaces proline 35273 with glutamine.
Molecular consequence: missense variant.
Genome position (GRCh38, 1-based): chr2:178,530,797, G>T on the plus strand (C>A on the coding strand, the complement: TTN is on the minus strand). VCF-style: chr2-178530797-G-T. GRCh37 (hg19) VCF-style: chr2-179395524-G-T.
Other names: c.98114C>A, p.Pro32705Gln (NM_133378.4); c.100895C>A, p.Pro33632Gln (NM_001256850.1); c.78623C>A, p.Pro26208Gln (NM_003319.4); c.78998C>A, p.Pro26333Gln (NM_133432.3); c.79199C>A, p.Pro26400Gln (NM_133437.4); short protein forms P32705Q, P35273Q, P26208Q, P26333Q, P26400Q, P33632Q.
Identifiers: ClinVar variation 437089 (VCV000437089.19), dbSNP rs1553484561, ClinGen allele CA349407679.